The following is an entry in ClinVar:

ClinVar aggregate classification (germline): Pathogenic/Likely pathogenic. Review status: criteria provided, multiple submitters, no conflicts (2 of 4 stars). 2 submissions from 2 submitters: Pathogenic (1); Likely pathogenic (1). Last evaluated 2024-04-11.

Conditions:
Hereditary cancer-predisposing syndrome. Also called: Hereditary neoplastic syndrome; Tumor predisposition; Hereditary Cancer Syndrome; Neoplastic Syndromes, Hereditary. Identifiers: Orphanet 140162, MedGen C0027672, MeSH D009386, MONDO:0015356.
Familial cancer of breast. Also called: BREAST CANCER, FAMILIAL; hereditary breast carcinoma; Hereditary breast cancer. Identifiers: Orphanet 227535, MedGen C0346153, MONDO:0016419, OMIM 114480. Disease mechanism: loss of function.

Submissions (2):

Ambry Genetics
Classification: Likely pathogenic for Hereditary cancer-predisposing syndrome. Last evaluated: 2024-04-11. Review status: criteria provided, single submitter. Criteria: Ambry Variant Classification Scheme 2023. Collection method: clinical testing. Allele origin: germline.
Comment: The c.1498_1501delTCTG variant, located in coding exon 13 of the CHEK2 gene, results from a deletion of 4 nucleotides at nucleotide positions 1498 to 1501, causing a translational frameshift with a predicted alternate stop codon (p.S500Rfs*12). This alteration occurs at the 3' terminus of theCHEK2 gene, is not expected to trigger nonsense-mediated mRNA decay, and only impacts the last 44 amino acids of the protein. However, premature stop codons are typically deleterious in nature and the impacted region is critical for protein function (Ambry internal data). Based on the majority of available evidence to date, this variant is likely to be pathogenic.

Myriad Genetics, Inc.
Classification: Pathogenic for Familial cancer of breast. Last evaluated: 2023-05-24. Review status: criteria provided, single submitter. Criteria: Myriad Autosomal Dominant, Autosomal Recessive and X-Linked Classification Criteria (2023). Collection method: clinical testing. Allele origin: unknown.
Comment: This variant is considered pathogenic. This variant creates a frameshift predicted to result in premature protein truncation.

NM_007194.4(CHEK2):c.1498_1501del (p.Ser500fs)

Gene: CHEK2 (checkpoint kinase 2; minus strand). Cytogenetic location: 22q12.1.
Variant type: Microsatellite.
Coding change: c.1498_1501del on transcript NM_007194.4 (MANE Select); coding-DNA positions 1498 to 1501, 4 bases deleted (TCTG; older notation c.1498_1501delTCTG).
Protein change: p.Ser500fs; shifts the reading frame from serine 500.
Molecular consequence: frameshift variant.
Genome position (GRCh38, 1-based): chr22:28,689,176-28,689,179, CAGA deleted on the plus strand (TCTG on the coding strand, the reverse complement: CHEK2 is on the minus strand); deleting any 4 consecutive bases within chr22:28,689,176-28,689,183 gives the same sequence; the c. name uses the placement nearest the transcript's 3' end. VCF-style (leftmost placement, unchanged base first): chr22-28689175-TCAGA-T. GRCh37 (hg19) VCF-style: chr22-29085163-TCAGA-T.
Other names: c.1623_1626TCTG[1], p.Ser543Argfs (NM_001005735.3); c.831_834TCTG[1], p.Ser279Argfs (NM_001257387.3); c.1293_1296TCTG[1], p.Ser433Argfs (NM_001349956.3); c.1407_1410TCTG[1], p.Ser471Argfs (NM_145862.3); short protein forms S279fs, S433fs, S471fs, S500fs, S543fs.
Identifiers: ClinVar variation 2584227 (VCV002584227.3), dbSNP rs2517757596, ClinGen allele CA2582342740.